The following is an entry in ClinVar:

NM_014244.5(ADAMTS2):c.1903G>T (p.Glu635Ter)

Gene: ADAMTS2 (ADAM metallopeptidase with thrombospondin type 1 motif 2; minus strand). Cytogenetic location: 5q35.3.
Variant type: single nucleotide variant.
Coding change: c.1903G>T on transcript NM_014244.5 (MANE Select); coding-DNA position 1903, G replaced by T.
Protein change: p.Glu635Ter; replaces glutamic acid 635 with a stop codon.
Molecular consequence: nonsense.
Genome position (GRCh38, 1-based): chr5:179,137,817, C>A on the plus strand (G>T on the coding strand, the complement: ADAMTS2 is on the minus strand). VCF-style: chr5-179137817-C-A. GRCh37 (hg19) VCF-style: chr5-178564818-C-A.
Other names: short protein forms E635*.
Identifiers: ClinVar variation 2021562 (VCV002021562.4), dbSNP rs371099308, ClinGen allele CA362426464.

ClinVar aggregate classification (germline): Pathogenic (1 of 4 stars; one submission).

Conditions:
Ehlers-Danlos syndrome, dermatosparaxis type. Also called: Dermatosparaxis; EDS VIIC; Ehlers-Danlos syndrome, type VII, autosomal recessive. Identifiers: Orphanet 1901, MedGen C2700425, MONDO:0009161, OMIM 225410.

Submission:

Labcorp Genetics (formerly Invitae), Labcorp
Classification: Pathogenic for Ehlers-Danlos syndrome, dermatosparaxis type. Last evaluated: 2022-08-04. Review status: criteria provided, single submitter. Criteria: Invitae Variant Classification Sherloc (09022015). Collection method: clinical testing. Allele origin: germline.
Comment: For these reasons, this variant has been classified as Pathogenic. This variant has not been reported in the literature in individuals affected with ADAMTS2-related conditions. This variant is not present in population databases (gnomAD no frequency). This sequence change creates a premature translational stop signal (p.Glu635*) in the ADAMTS2 gene. It is expected to result in an absent or disrupted protein product. Loss-of-function variants in ADAMTS2 are known to be pathogenic (PMID: 10417273).

Literature cited by the submitters: PubMed 10417273.